The following is an entry in ClinVar:

ClinVar aggregate classification (germline): Likely benign. Review status: criteria provided, multiple submitters, no conflicts (2 of 4 stars). 2 submissions from 2 submitters: Likely benign (2). Last evaluated 2018-06-19.

Allele frequency attached by ClinVar (database versions not stated): gnomAD 0.00467 and 0.00483; 1000 Genomes Project 0.00599; TOPMed 0.00629; 1000 Genomes Project 30x 0.00703.

Submissions (2):

GeneDx
Classification: Likely benign. Last evaluated: 2018-06-19. Review status: criteria provided, single submitter. Criteria: GeneDx Variant Classification (06012015). Collection method: clinical testing. Allele origin: germline. Affected: yes.
Comment: This variant is considered likely benign or benign based on one or more of the following criteria: it is a conservative change, it occurs at a poorly conserved position in the protein, it is predicted to be benign by multiple in silico algorithms, and/or has population frequency not consistent with disease.

Breakthrough Genomics
Classification: Likely benign. Review status: criteria provided, single submitter. Criteria: ACMG Guidelines, 2015. Collection method: not provided. Allele origin: germline. Inheritance: Autosomal recessive inheritance. Affected: yes.

NM_182894.3(VSX2):c.760+74C>G

Gene: VSX2 (visual system homeobox 2; plus strand). Cytogenetic location: 14q24.3.
Variant type: single nucleotide variant.
Coding change: c.760+74C>G on transcript NM_182894.3 (MANE Select); 74 bases into the intron after coding-DNA position 760, C replaced by G.
Molecular consequence: intron variant.
Genome position (GRCh38, 1-based): chr14:74,259,856, C>G. VCF-style: chr14-74259856-C-G. GRCh37 (hg19) VCF-style: chr14-74726559-C-G.
Identifiers: ClinVar variation 675190 (VCV000675190.2), dbSNP rs184523853, ClinGen allele CA263556839.